The following is an entry in ClinVar:

ClinVar aggregate classification (germline): Uncertain significance. Review status: criteria provided, multiple submitters, no conflicts (2 of 4 stars). 2 submissions from 2 submitters: Uncertain significance (2). Last evaluated 2024-07-03.

Conditions:
Ehlers-Danlos syndrome, classic type, 1 (EDSCL1). Also called: EHLERS-DANLOS SYNDROME, GRAVIS TYPE; EHLERS-DANLOS SYNDROME, SEVERE CLASSIC TYPE; Ehlers-Danlos syndrome, type 1; Ehlers-Danlos Syndrome, Classic Type, COL5A1-Related; EDS I. Identifiers: MedGen C0268335, MONDO:0019567, OMIM 130000.

Allele frequency attached by ClinVar (database versions not stated): 1000 Genomes Project 0.00020; gnomAD 0.00001; 1000 Genomes Project 30x 0.00016.

Submissions (2):

Labcorp Genetics (formerly Invitae), Labcorp
Classification: Uncertain significance for Ehlers-Danlos syndrome, classic type, 1. Last evaluated: 2024-07-03. Review status: criteria provided, single submitter. Criteria: Invitae Variant Classification Sherloc (09022015). Collection method: clinical testing. Allele origin: germline.
Comment: This sequence change replaces glycine, which is neutral and non-polar, with alanine, which is neutral and non-polar, at codon 1249 of the COL5A1 protein (p.Gly1249Ala). This variant is not present in population databases (gnomAD no frequency). This variant has not been reported in the literature in individuals affected with COL5A1-related conditions. ClinVar contains an entry for this variant (Variation ID: 1200952). Experimental studies and prediction algorithms are not available or were not evaluated, and the functional significance of this variant is currently unknown. This variant disrupts the triple helix domain of COL5A1. Glycine residues within the Gly-Xaa-Yaa repeats of the triple helix domain are required for the structure and stability of fibrillar collagens (PMID: 7695699, 8218237, 19344236), and variants at these glycine residues in COL5A1 are more frequently observed in individuals with disease than in the general population (PMID: 22696272, 23587214). However, the clinical significance of this observation remains uncertain since only a limited number of affected individuals have been described to date. In summary, the available evidence is currently insufficient to determine the role of this variant in disease. Therefore, it has been classified as a Variant of Uncertain Significance.

GeneDx
Classification: Uncertain significance. Last evaluated: 2023-03-31. Review status: criteria provided, single submitter. Criteria: GeneDx Variant Classification Process June 2021. Collection method: clinical testing. Allele origin: germline. Affected: yes.
Comment: Has not been previously published as pathogenic or benign to our knowledge; Not observed at significant frequency in large population cohorts (gnomAD); In silico analysis supports that this missense variant has a deleterious effect on protein structure/function; This variant is associated with the following publications: (PMID: 22696272)

Literature cited by the submitters: PubMed 7695699 (cited by Labcorp Genetics (formerly Invitae), Labcorp); PubMed 8218237 (cited by Labcorp Genetics (formerly Invitae), Labcorp); PubMed 19344236 (cited by Labcorp Genetics (formerly Invitae), Labcorp); PubMed 22696272 (cited by Labcorp Genetics (formerly Invitae), Labcorp); PubMed 23587214 (cited by Labcorp Genetics (formerly Invitae), Labcorp).

NM_000093.5(COL5A1):c.3746G>C (p.Gly1249Ala)

Gene: COL5A1 (collagen type V alpha 1 chain; plus strand). Cytogenetic location: 9q34.3.
Variant type: single nucleotide variant.
Coding change: c.3746G>C on transcript NM_000093.5 (MANE Select); coding-DNA position 3746, G replaced by C.
Protein change: p.Gly1249Ala; replaces glycine 1249 with alanine.
Molecular consequence: missense variant.
Genome position (GRCh38, 1-based): chr9:134,812,606, G>C. VCF-style: chr9-134812606-G-C. GRCh37 (hg19) VCF-style: chr9-137704452-G-C.
Other names: c.3746G>C, p.Gly1249Ala (NM_001278074.1); short protein forms G1249A.
Identifiers: ClinVar variation 1200952 (VCV001200952.11), dbSNP rs533597740, ClinGen allele CA5320022.